The following is an entry in ClinVar:

NM_000088.4(COL1A1):c.4034C>A (p.Pro1345His)

Gene: COL1A1 (collagen type I alpha 1 chain; minus strand). Cytogenetic location: 17q21.33.
Variant type: single nucleotide variant.
Coding change: c.4034C>A on transcript NM_000088.4 (MANE Select); coding-DNA position 4034, C replaced by A.
Protein change: p.Pro1345His; replaces proline 1345 with histidine.
Molecular consequence: missense variant.
Genome position (GRCh38, 1-based): chr17:50,185,992, G>T on the plus strand (C>A on the coding strand, the complement: COL1A1 is on the minus strand). VCF-style: chr17-50185992-G-T. GRCh37 (hg19) VCF-style: chr17-48263353-G-T.
Other names: short protein forms P1345H.
Identifiers: ClinVar variation 4800880 (VCV004800880.1).

ClinVar aggregate classification (germline): Uncertain significance (1 of 4 stars; one submission).

Conditions:
Osteogenesis imperfecta type I (OI1). Also called: OI, TYPE I; OSTEOGENESIS IMPERFECTA TARDA; OSTEOGENESIS IMPERFECTA WITH BLUE SCLERAE; Lobstein's Disease; Osteogenesis imperfecta type 1; Classic Non-deforming Osteogenesis Imperfecta with Blue Sclerae. Identifiers: Orphanet 216796, Orphanet 666, MedGen C0023931, MONDO:0008146, OMIM 166200. Disease mechanism: loss of function.

Submission:

Labcorp Genetics (formerly Invitae), Labcorp
Classification: Uncertain significance for Osteogenesis imperfecta type I. Last evaluated: 2025-12-26. Review status: criteria provided, single submitter. Criteria: Invitae Variant Classification Sherloc (09022015). Collection method: clinical testing. Allele origin: germline.
Comment: This sequence change replaces proline, which is neutral and non-polar, with histidine, which is basic and polar, at codon 1345 of the COL1A1 protein (p.Pro1345His). This variant is not present in population databases (gnomAD no frequency). This variant has not been reported in the literature in individuals affected with COL1A1-related conditions. Invitae Evidence Modeling of protein sequence and biophysical properties (such as structural, functional, and spatial information, amino acid conservation, physicochemical variation, residue mobility, and thermodynamic stability) has been performed for this missense variant. However, the output from this modeling did not meet the statistical confidence thresholds required to predict the impact of this variant on COL1A1 protein function. In summary, the available evidence is currently insufficient to determine the role of this variant in disease. Therefore, it has been classified as a Variant of Uncertain Significance.